The following is an entry in ClinVar:

ClinVar aggregate classification (germline): Uncertain significance (1 of 4 stars; one submission).

Allele frequency attached by ClinVar (database versions not stated): TOPMed below 0.00001 and 0.00001.
gnomAD v4.1: 14 of 1,614,174 alleles (0.00087%); highest among the groups gnomAD compares: Non-Finnish European, 0.001%; no homozygotes.

Submission:

GeneDx
Classification: Uncertain significance. Last evaluated: 2017-03-24. Review status: criteria provided, single submitter. Criteria: GeneDx Variant Classification (06012015). Collection method: clinical testing. Allele origin: germline. Affected: yes.
Comment: The T282I variant in the ARHGAP31 gene has not been reported previously as a pathogenic variant, nor as a benign variant, to our knowledge. The T282I variant is not observed in large population cohorts (Lek et al., 2016; 1000 Genomes Consortium et al., 2015; Exome Variant Server). The T282I variant is a non-conservative amino acid substitution, which is likely to impact secondary protein structure as these residues differ in polarity, charge, size and/or other properties. This substitution occurs at a position that is not conserved. In silico analysis is inconsistent in its predictions as to whether or not the variant is damaging to the protein structure/function. We interpret T282I as a variant of uncertain significance.

NM_020754.4(ARHGAP31):c.845C>T (p.Thr282Ile)

Gene: ARHGAP31 (Rho GTPase activating protein 31; plus strand). Cytogenetic location: 3q13.33.
Variant type: single nucleotide variant.
Coding change: c.845C>T on transcript NM_020754.4 (MANE Select); coding-DNA position 845, C replaced by T.
Protein change: p.Thr282Ile; replaces threonine 282 with isoleucine.
Molecular consequence: missense variant.
Genome position (GRCh38, 1-based): chr3:119,390,947, C>T. VCF-style: chr3-119390947-C-T. GRCh37 (hg19) VCF-style: chr3-119109794-C-T.
Other names: short protein forms T282I.
Identifiers: ClinVar variation 424376 (VCV000424376.2), dbSNP rs749949250, ClinGen allele CA16617806.